The following is an entry in ClinVar:

ClinVar aggregate classification (germline): Uncertain significance (1 of 4 stars; one submission).

Conditions:
Progressive sclerosing poliodystrophy (MTDPS4A). Also called: Mitochondrial DNA Depletion Syndrome 4A; Alpers-Huttenlocher Syndrome (AHS); ALPERS PROGRESSIVE INFANTILE POLIODYSTROPHY; NEURONAL DEGENERATION OF CHILDHOOD WITH LIVER DISEASE, PROGRESSIVE; Alpers Syndrome; ALPERS DIFFUSE DEGENERATION OF CEREBRAL GRAY MATTER WITH HEPATIC CIRRHOSIS. Identifiers: Orphanet 726, MedGen C0205710, MONDO:0008758, OMIM 203700.

Submission:

Labcorp Genetics (formerly Invitae), Labcorp
Classification: Uncertain significance for Progressive sclerosing poliodystrophy. Last evaluated: 2021-12-18. Review status: criteria provided, single submitter. Criteria: Invitae Variant Classification Sherloc (09022015). Collection method: clinical testing. Allele origin: germline.
Comment: This sequence change replaces glycine, which is neutral and non-polar, with arginine, which is basic and polar, at codon 67 of the POLG protein (p.Gly67Arg). This variant is not present in population databases (gnomAD no frequency). This variant has not been reported in the literature in individuals affected with POLG-related conditions. Algorithms developed to predict the effect of missense changes on protein structure and function (SIFT, PolyPhen-2, Align-GVGD) all suggest that this variant is likely to be tolerated. In summary, the available evidence is currently insufficient to determine the role of this variant in disease. Therefore, it has been classified as a Variant of Uncertain Significance.

NM_002693.3(POLG):c.199G>C (p.Gly67Arg)

Genes: POLG (DNA polymerase gamma, catalytic subunit; minus strand), POLGARF (POLG alternative reading frame; minus strand). Cytogenetic location: 15q26.1.
Variant type: single nucleotide variant.
Coding change: c.199G>C on transcript NM_002693.3 (MANE Select); coding-DNA position 199, G replaced by C.
Protein change: p.Gly67Arg; replaces glycine 67 with arginine.
Molecular consequence: missense variant.
Genome position (GRCh38, 1-based): chr15:89,333,556, C>G on the plus strand (G>C on the coding strand, the complement: POLG is on the minus strand). VCF-style: chr15-89333556-C-G. GRCh37 (hg19) VCF-style: chr15-89876787-C-G.
Other names: c.199G>C, p.Gly67Arg (NM_001126131.2); short protein forms G67R.
Identifiers: ClinVar variation 2046653 (VCV002046653.4), dbSNP rs1415744247, ClinGen allele CA393773686.
Genomic context (GRCh38, chr15:89,333,556, plus strand): 5'-TTTGCTCGTGCAGCCCTCTCGAGAGCATCTGGATGTCCAATGGGTTGTGCCGCAGCTGCC[C>G]GCCCTCCGAGGATAGCACTTGCGGCTGCTGAGGCTGCTGTTGCTGCTGCTGCTGCTGCTG-3'
Protein context (NP_002684.1, residues 57-77): QQPQVLSSEG[Gly67Arg]QLRHNPLDIQ